The following is an entry in ClinVar:

ClinVar aggregate classification (germline): Uncertain significance (1 of 4 stars; one submission).

Submission:

GeneDx
Classification: Uncertain significance. Last evaluated: 2022-09-13. Review status: criteria provided, single submitter. Criteria: GeneDx Variant Classification Process June 2021. Collection method: clinical testing. Allele origin: germline. Affected: yes.
Comment: Not observed at significant frequency in large population cohorts (gnomAD); In-frame deletion of 1 amino acid in a non-repeat region; In silico analysis supports a deleterious effect on protein structure/function; Has not been previously published as pathogenic or benign to our knowledge; Variants in candidate genes are classified as variants of uncertain significance in accordance with ACMG guidelines (Richards et al., 2015)

NM_001282874.2(SMARCA1):c.2193AGA[1] (p.Glu732del)

Gene: SMARCA1 (SNF2 related chromatin remodeling ATPase 1; minus strand). Cytogenetic location: Xq25.
Variant type: Microsatellite.
Coding change: c.2193AGA[1] on transcript NM_001282874.2 (MANE Select); one copy of the 3-base unit AGA starting at c.2193; the reference has two copies in a row; one copy, 3 bases deleted.
Protein change: p.Glu732del; deletes glutamic acid 732.
Molecular consequence: inframe deletion.
Genome position (GRCh38, 1-based): chrX:129,487,037-129,487,039, TCT deleted on the plus strand (AGA on the coding strand, the reverse complement: SMARCA1 is on the minus strand); deleting any 3 consecutive bases within chrX:129,487,037-129,487,042 gives the same sequence; the position shown is the placement nearest the transcript's 3' end. VCF-style (leftmost placement, unchanged base first): chrX-129487036-ATCT-A. GRCh37 (hg19) VCF-style: chrX-128621013-ATCT-A.
Other names: c.2157AGA[1], p.Glu720del (NM_001282875.2, NM_001378262.1, NM_001378263.1 and 1 more transcripts); c.2193AGA[1], p.Glu732del (NM_001378261.1, NM_003069.5); short protein forms E720del, E732del.
Identifiers: ClinVar variation 3899509 (VCV003899509.1).